The following is an entry in ClinVar:

NM_000501.4(ELN):c.1385C>A (p.Ala462Asp)

Gene: ELN (elastin; plus strand). Cytogenetic location: 7q11.23.
Variant type: single nucleotide variant.
Coding change: c.1385C>A on transcript NM_000501.4 (MANE Select); coding-DNA position 1385, C replaced by A.
Protein change: p.Ala462Asp; replaces alanine 462 with aspartic acid.
Molecular consequence: missense variant. On other transcripts: intron variant (7).
Genome position (GRCh38, 1-based): chr7:74,057,667, C>A. VCF-style: chr7-74057667-C-A. GRCh37 (hg19) VCF-style: chr7-73471997-C-A.
Other names: c.1400C>A, p.Ala467Asp (NM_001081754.3); c.1385C>A, p.Ala462Asp (NM_001278912.2, NM_001278915.2); c.1355C>A, p.Ala452Asp (NM_001278917.2); c.1472C>A, p.Ala491Asp (NM_001278939.2); c.1372+954C>A (NM_001081753.3); c.1357+954C>A (NM_001081755.3); c.1315+954C>A (NM_001278916.2); c.1171+954C>A (NM_001278913.2); and 3 more; short protein forms A462D, A491D, A452D, A467D.
Identifiers: ClinVar variation 2148559 (VCV002148559.4), dbSNP rs782051201, ClinGen allele CA4293012.
Genomic context (GRCh38, chr7:74,057,667, plus strand): 5'-TTACTCTCTCACCCCTTCTCTTCACACCTCCAGGAGTGGGGACCCCAGCAGCTGCAGCTG[C>A]TAAAGCAGCCGCCAAAGCCGCCCAGTTTGGTAAGTCCCCCTCACCCCCGCCACTGGCTCA-3'
Protein context (NP_000492.2, residues 452-472): YGVGTPAAAA[Ala462Asp]KAAAKAAQFG

ClinVar aggregate classification (germline): Uncertain significance (1 of 4 stars; one submission).

Conditions:
Supravalvar aortic stenosis (SVAS). Also called: Supravalvar aortic stenosis, Eisenberg type. Identifiers: Orphanet 3193, MedGen C0003499, MONDO:0008504, OMIM 185500, HP:0004381.

Allele frequency attached by ClinVar (database versions not stated): ExAC 0.00001; gnomAD exomes 0.00001; TOPMed 0.00002; gnomAD 0.00004.
gnomAD v4.1: 22 of 1,613,682 alleles (0.0014%); highest among the groups gnomAD compares: Non-Finnish European, 0.0019%; no homozygotes.

Submission:

Labcorp Genetics (formerly Invitae), Labcorp
Classification: Uncertain significance for Supravalvar aortic stenosis. Last evaluated: 2025-09-15. Review status: criteria provided, single submitter. Criteria: Invitae Variant Classification Sherloc (09022015). Collection method: clinical testing. Allele origin: germline.
Comment: This sequence change replaces alanine, which is neutral and non-polar, with aspartic acid, which is acidic and polar, at codon 491 of the ELN protein (p.Ala491Asp). This variant is present in population databases (rs782051201, gnomAD 0.002%). This variant has not been reported in the literature in individuals affected with ELN-related conditions. ClinVar contains an entry for this variant (Variation ID: 2148559). Invitae Evidence Modeling of protein sequence and biophysical properties (such as structural, functional, and spatial information, amino acid conservation, physicochemical variation, residue mobility, and thermodynamic stability) has been performed for this missense variant. However, the output from this modeling did not meet the statistical confidence thresholds required to predict the impact of this variant on ELN protein function. In summary, the available evidence is currently insufficient to determine the role of this variant in disease. Therefore, it has been classified as a Variant of Uncertain Significance.